The following is an entry in ClinVar:

ClinVar aggregate classification (germline): Uncertain significance (1 of 4 stars; one submission).

Allele frequency attached by ClinVar (database versions not stated): gnomAD exomes below 0.00001.
gnomAD v4.1: 1 of 1,614,246 alleles (0.000062%); highest among the groups gnomAD compares: Non-Finnish European, 0.000085%; no homozygotes.

Submission:

Labcorp Genetics (formerly Invitae), Labcorp
Classification: Uncertain significance. Last evaluated: 2024-01-22. Review status: criteria provided, single submitter. Criteria: Invitae Variant Classification Sherloc (09022015). Collection method: clinical testing. Allele origin: germline.
Comment: This sequence change replaces methionine, which is neutral and non-polar, with arginine, which is basic and polar, at codon 2129 of the FLNB protein (p.Met2129Arg). This variant is not present in population databases (gnomAD no frequency). This variant has not been reported in the literature in individuals affected with FLNB-related conditions. ClinVar contains an entry for this variant (Variation ID: 1351056). Advanced modeling of protein sequence and biophysical properties (such as structural, functional, and spatial information, amino acid conservation, physicochemical variation, residue mobility, and thermodynamic stability) performed at Invitae indicates that this missense variant is not expected to disrupt FLNB protein function with a negative predictive value of 95%. In summary, the available evidence is currently insufficient to determine the role of this variant in disease. Therefore, it has been classified as a Variant of Uncertain Significance.

NM_001457.4(FLNB):c.6386T>G (p.Met2129Arg)

Gene: FLNB (filamin B; plus strand). Cytogenetic location: 3p14.3.
Variant type: single nucleotide variant.
Coding change: c.6386T>G on transcript NM_001457.4 (MANE Select); coding-DNA position 6386, T replaced by G.
Protein change: p.Met2129Arg; replaces methionine 2129 with arginine.
Molecular consequence: missense variant.
Genome position (GRCh38, 1-based): chr3:58,153,393, T>G. VCF-style: chr3-58153393-T-G. GRCh37 (hg19) VCF-style: chr3-58139120-T-G.
Other names: c.6479T>G, p.Met2160Arg (NM_001164317.2); c.6353T>G, p.Met2118Arg (NM_001164318.2); c.6314T>G, p.Met2105Arg (NM_001164319.2); short protein forms M2105R, M2129R, M2160R, M2118R.
Identifiers: ClinVar variation 1351056 (VCV001351056.8), dbSNP rs2107288748, ClinGen allele CA353359217.